The following is an entry in ClinVar:

NM_015378.4(VPS13D):c.2732C>T (p.Thr911Ile)

Gene: VPS13D (vacuolar protein sorting 13 homolog D; plus strand). Cytogenetic location: 1p36.22.
Variant type: single nucleotide variant.
Coding change: c.2732C>T on transcript NM_015378.4 (MANE Select); coding-DNA position 2732, C replaced by T.
Protein change: p.Thr911Ile; replaces threonine 911 with isoleucine.
Molecular consequence: missense variant.
Genome position (GRCh38, 1-based): chr1:12,276,320, C>T. VCF-style: chr1-12276320-C-T. GRCh37 (hg19) VCF-style: chr1-12336377-C-T.
Other names: p.Thr911Ile; c.2732C>T, p.Thr911Ile (NM_018156.4); short protein forms T911I.
Identifiers: ClinVar variation 4540672 (VCV004540672.1).

ClinVar aggregate classification (germline): Uncertain significance (1 of 4 stars; one submission).

Submission:

Mayo Clinic Laboratories, Mayo Clinic
Classification: Uncertain significance. Last evaluated: 2025-10-20. Review status: criteria provided, single submitter. Criteria: ACMG Guidelines, 2015. Collection method: clinical testing. Allele origin: germline. Observed: 1 variant allele.
Comment: BP4_moderate, PM2_supporting